The following is an entry in ClinVar:

NM_001378609.3(OTOGL):c.5123T>C (p.Ile1708Thr)

Gene: OTOGL (otogelin like; plus strand). Cytogenetic location: 12q21.31.
Variant type: single nucleotide variant.
Coding change: c.5123T>C on transcript NM_001378609.3 (MANE Select); coding-DNA position 5123, T replaced by C.
Protein change: p.Ile1708Thr; replaces isoleucine 1708 with threonine.
Molecular consequence: missense variant.
Genome position (GRCh38, 1-based): chr12:80,342,020, T>C. VCF-style: chr12-80342020-T-C. GRCh37 (hg19) VCF-style: chr12-80735800-T-C.
Other names: c.4988T>C, p.Ile1663Thr (NM_001368062.3); c.5123T>C, p.Ile1708Thr (NM_001378610.3, NM_173591.7); short protein forms I1663T, I1708T.
Identifiers: ClinVar variation 2517013 (VCV002517013.3), dbSNP rs367858052, ClinGen allele CA6701642.

ClinVar aggregate classification (germline): Uncertain significance. Review status: criteria provided, multiple submitters, no conflicts (2 of 4 stars). 2 submissions from 2 submitters: Uncertain significance (2). Last evaluated 2024-03-18.

Conditions:
Inborn genetic diseases. Identifiers: MedGen C0950123, MeSH D030342.

Allele frequency attached by ClinVar (database versions not stated): gnomAD exomes 0.00001; gnomAD 0.00002; TOPMed 0.00003; ExAC 0.00004; ESP Exome Variant Server 0.00008.
gnomAD v4.1: 10 of 1,608,096 alleles (0.00062%); highest among the groups gnomAD compares: African/African-American, 0.011%; no homozygotes.

Submissions (2):

GeneDx
Classification: Uncertain significance. Last evaluated: 2024-03-18. Review status: criteria provided, single submitter. Criteria: GeneDx Variant Classification Process June 2021. Collection method: clinical testing. Allele origin: germline. Affected: yes.
Comment: In silico analysis supports that this missense variant does not alter protein structure/function; Has not been previously published as pathogenic or benign to our knowledge

Ambry Genetics
Classification: Uncertain significance for Inborn genetic diseases. Last evaluated: 2023-04-11. Review status: criteria provided, single submitter. Criteria: Ambry Variant Classification Scheme 2023. Collection method: clinical testing. Allele origin: germline.